The following is an entry in ClinVar:

ClinVar aggregate classification (germline): Uncertain significance (1 of 4 stars; one submission).

Submission:

Labcorp Genetics (formerly Invitae), Labcorp
Classification: Uncertain significance. Last evaluated: 2025-05-13. Review status: criteria provided, single submitter. Criteria: Invitae Variant Classification Sherloc (09022015). Collection method: clinical testing. Allele origin: germline.
Comment: This sequence change creates a premature translational stop signal (p.Leu1287Aspfs*15) in the MYH7B gene. It is expected to result in an absent or disrupted protein product. However, the current clinical and genetic evidence is not sufficient to establish whether loss-of-function variants in MYH7B cause disease. This variant is present in population databases (rs771508468, gnomAD 0.03%). This variant has not been reported in the literature in individuals affected with MYH7B-related conditions. In summary, the available evidence is currently insufficient to determine the role of this variant in disease. Therefore, it has been classified as a Variant of Uncertain Significance.

NM_020884.7(MYH7B):c.3733_3734del (p.Leu1245fs)

Gene: MYH7B (myosin heavy chain 7B; plus strand). Cytogenetic location: 20q11.22.
Variant type: Microsatellite.
Coding change: c.3733_3734del on transcript NM_020884.7 (MANE Select); coding-DNA positions 3733 to 3734, 2 bases deleted (CT; older notation c.3733_3734delCT).
Protein change: p.Leu1245fs; shifts the reading frame from leucine 1245.
Molecular consequence: frameshift variant.
Genome position (GRCh38, 1-based): chr20:34,997,626-34,997,627, CT deleted; deleting any 2 consecutive bases within chr20:34,997,624-34,997,627 gives the same sequence; the c. name uses the placement nearest the transcript's 3' end. VCF-style (leftmost placement, unchanged base first): chr20-34997623-ACT-A. GRCh37 (hg19) VCF-style: chr20-33585426-ACT-A.
Other names: short protein forms L1245fs.
Identifiers: ClinVar variation 2742272 (VCV002742272.3), dbSNP rs771508468, ClinGen allele CA9827822.